The following is an entry in ClinVar:

ClinVar aggregate classification (germline): Uncertain significance (1 of 4 stars; one submission).

Submission:

Labcorp Genetics (formerly Invitae), Labcorp
Classification: Uncertain significance. Last evaluated: 2024-02-19. Review status: criteria provided, single submitter. Criteria: Invitae Variant Classification Sherloc (09022015). Collection method: clinical testing. Allele origin: germline.
Comment: This sequence change falls in intron 29 of the CACNA2D4 gene. It does not directly change the encoded amino acid sequence of the CACNA2D4 protein. It affects a nucleotide within the consensus splice site. This variant is not present in population databases (gnomAD no frequency). This variant has not been reported in the literature in individuals affected with CACNA2D4-related conditions. ClinVar contains an entry for this variant (Variation ID: 1377701). Variants that disrupt the consensus splice site are a relatively common cause of aberrant splicing (PMID: 17576681, 9536098). Algorithms developed to predict the effect of sequence changes on RNA splicing suggest that this variant is not likely to affect RNA splicing. In summary, the available evidence is currently insufficient to determine the role of this variant in disease. Therefore, it has been classified as a Variant of Uncertain Significance.

Literature cited by the submitters: PubMed 17576681; PubMed 9536098.

NM_172364.5(CACNA2D4):c.2721+3G>A

Gene: CACNA2D4 (calcium voltage-gated channel auxiliary subunit alpha2delta 4; minus strand). Cytogenetic location: 12p13.33.
Variant type: single nucleotide variant.
Coding change: c.2721+3G>A on transcript NM_172364.5 (MANE Select); 3 bases into the intron after coding-DNA position 2721, G replaced by A.
Molecular consequence: intron variant.
Genome position (GRCh38, 1-based): chr12:1,810,275, C>T on the plus strand (G>A on the coding strand, the complement: CACNA2D4 is on the minus strand). VCF-style: chr12-1810275-C-T. GRCh37 (hg19) VCF-style: chr12-1919441-C-T.
Identifiers: ClinVar variation 1377701 (VCV001377701.6), dbSNP rs2154445804, ClinGen allele CA2573147822.
Genomic context (GRCh38, chr12:1,810,275, plus strand): 5'-TGCCCAATGTCTCCAGTCCTCCTGCCGCCCTCTCCCCCTCATTCTATATCCCCAGTGACT[C>T]ACCTCTCGGGACCTCTTGGAGATCAGAATGAACCCGTTGTTGTCGATGACGAAGCAGTCC-3'